The following is an entry in ClinVar:

ClinVar aggregate classification (germline): Conflicting classifications of pathogenicity. Review status: criteria provided, conflicting classifications (1 of 4 stars). 3 submissions from 3 submitters: Uncertain significance (1); Likely benign (2). Last evaluated 2025-12-01.

Conditions:
Familial focal epilepsy with variable foci (FPEVF). Identifiers: Orphanet 98820, MedGen C1858477, MONDO:0020310.
Inborn genetic diseases. Identifiers: MedGen C0950123, MeSH D030342.

Allele frequency attached by ClinVar (database versions not stated): gnomAD 0.00002 and 0.00003; gnomAD exomes 0.00002 and 0.00003; TOPMed 0.00002; ExAC 0.00004; 1000 Genomes Project 0.00020; 1000 Genomes Project 30x 0.00031.
gnomAD v4.1: 40 of 1,613,432 alleles (0.0025%); highest among the groups gnomAD compares: Admixed American, 0.0033%; no homozygotes.

Submissions (3):

Labcorp Genetics (formerly Invitae), Labcorp
Classification: Uncertain significance for Familial focal epilepsy with variable foci. Last evaluated: 2025-12-01. Review status: criteria provided, single submitter. Criteria: Invitae Variant Classification Sherloc (09022015). Collection method: clinical testing. Allele origin: germline.
Comment: This sequence change affects codon 168 of the DEPDC5 mRNA. It is a 'silent' change, meaning that it does not change the encoded amino acid sequence of the DEPDC5 protein. This variant is present in population databases (rs577652236, gnomAD 0.007%). This variant has been observed in individual(s) with clinical features of DEPDC5-related conditions (internal data). ClinVar contains an entry for this variant (Variation ID: 859700). Algorithms developed to predict the effect of sequence changes on RNA splicing suggest that this variant is not likely to affect RNA splicing. In summary, the available evidence is currently insufficient to determine the role of this variant in disease. Therefore, it has been classified as a Variant of Uncertain Significance.

CeGaT Center for Human Genetics Tuebingen
Classification: Likely benign. Last evaluated: 2020-06-01. Review status: criteria provided, single submitter. Criteria: CeGaT Center For Human Genetics Tuebingen Variant Classification Criteria Version 2. Collection method: clinical testing. Allele origin: germline. Affected: yes. Observed: 1 variant allele.

Ambry Genetics
Classification: Likely benign for Inborn genetic diseases. Last evaluated: 2018-07-26. Review status: criteria provided, single submitter. Criteria: Ambry Variant Classification Scheme 2023. Collection method: clinical testing. Allele origin: germline.

NM_001242896.3(DEPDC5):c.504G>A (p.Ser168=)

Gene: DEPDC5 (DEP domain containing 5, GATOR1 subcomplex subunit; plus strand). Cytogenetic location: 22q12.2.
Variant type: single nucleotide variant.
Coding change: c.504G>A on transcript NM_001242896.3 (MANE Select); coding-DNA position 504, G replaced by A.
Protein change: p.Ser168=; no amino-acid change (serine 168 retained).
Molecular consequence: synonymous variant. On other transcripts: non-coding transcript variant (5).
Genome position (GRCh38, 1-based): chr22:31,783,927, G>A. VCF-style: chr22-31783927-G-A. GRCh37 (hg19) VCF-style: chr22-32179913-G-A.
Other names: c.504G>A, p.Ser168= (NM_001007188.4, NM_001136029.4, NM_001242897.2 and 7 more transcripts); c.420G>A, p.Ser140= (NM_001369901.1, NM_001369902.1).
Identifiers: ClinVar variation 859700 (VCV000859700.48), dbSNP rs577652236, ClinGen allele CA10196006.